The following is an entry in ClinVar:

ClinVar aggregate classification (germline): Uncertain significance. Review status: criteria provided, multiple submitters, no conflicts (2 of 4 stars). 2 submissions from 2 submitters: Uncertain significance (2). Last evaluated 2024-05-09.

Conditions:
Early-infantile DEE. Also called: Early infantile epileptic encephalopathy with suppression bursts; Early infantile epileptic encephalopathy; Ohtahara syndrome. Identifiers: Orphanet 1934, MedGen C0393706, MONDO:0800491.

Allele frequency attached by ClinVar (database versions not stated): gnomAD exomes below 0.00001.
gnomAD v4.1: 1 of 1,602,282 alleles (0.000062%); highest among the groups gnomAD compares: Non-Finnish European, 0.000085%; no homozygotes.

Submissions (2):

GeneDx
Classification: Uncertain significance. Last evaluated: 2024-05-09. Review status: criteria provided, single submitter. Criteria: GeneDx Variant Classification Process June 2021. Collection method: clinical testing. Allele origin: germline. Affected: yes.
Comment: Not observed at significant frequency in large population cohorts (gnomAD); In silico analysis supports that this missense variant has a deleterious effect on protein structure/function; Has not been previously published as pathogenic or benign to our knowledge; This substitution is predicted to be in the cytoplasmic loop between the third and fourth homologous domains; This variant is associated with the following publications: (PMID: 29142202)

Labcorp Genetics (formerly Invitae), Labcorp
Classification: Uncertain significance for Early-infantile DEE. Last evaluated: 2021-09-19. Review status: criteria provided, single submitter. Criteria: Invitae Variant Classification Sherloc (09022015). Collection method: clinical testing. Allele origin: germline.
Comment: This sequence change replaces lysine with glutamic acid at codon 1492 of the SCN1A protein (p.Lys1492Glu). The lysine residue is highly conserved and there is a small physicochemical difference between lysine and glutamic acid. This variant is not present in population databases (ExAC no frequency). This variant has been observed in individual(s) with clinical features of SCN1A-related conditions (Invitae). Algorithms developed to predict the effect of missense changes on protein structure and function (SIFT, PolyPhen-2, Align-GVGD) all suggest that this variant is likely to be disruptive. This variant disrupts the p.Lys1492 amino acid residue in SCN1A. Other variant(s) that disrupt this residue have been observed in individuals with SCN1A-related conditions (PMID: 29142202), which suggests that this may be a clinically significant amino acid residue. In summary, the available evidence is currently insufficient to determine the role of this variant in disease. Therefore, it has been classified as a Variant of Uncertain Significance.

Literature cited by the submitters: PubMed 29142202 (cited by Labcorp Genetics (formerly Invitae), Labcorp).

NM_001165963.4(SCN1A):c.4474A>G (p.Lys1492Glu)

Genes: SCN1A (sodium voltage-gated channel alpha subunit 1; minus strand), LOC102724058 (uncharacterized LOC102724058; plus strand). Cytogenetic location: 2q24.3.
Variant type: single nucleotide variant.
Coding change: c.4474A>G on transcript NM_001165963.4 (MANE Select); coding-DNA position 4474, A replaced by G.
Protein change: p.Lys1492Glu; replaces lysine 1492 with glutamic acid.
Molecular consequence: missense variant. On other transcripts: non-coding transcript variant (1).
Genome position (GRCh38, 1-based): chr2:165,998,040, T>C on the plus strand (A>G on the coding strand, the complement: SCN1A is on the minus strand). VCF-style: chr2-165998040-T-C. GRCh37 (hg19) VCF-style: chr2-166854550-T-C.
Other names: c.4390A>G, p.Lys1464Glu (NM_001165964.3, NM_001353957.2, NM_001353958.2); c.4474A>G, p.Lys1492Glu (NM_001202435.3, NM_001353948.2); c.4441A>G, p.Lys1481Glu (NM_001353949.2, NM_001353950.2, NM_001353951.2 and 2 more transcripts); c.4438A>G, p.Lys1480Glu (NM_001353954.2, NM_001353955.2); c.4387A>G, p.Lys1463Glu (NM_001353960.2); c.2032A>G, p.Lys678Glu (NM_001353961.2); c.4474A>G (NM_001165963.1); short protein forms K1463E, K1492E, K678E, K1464E, K1480E, K1481E.
Identifiers: ClinVar variation 1369647 (VCV001369647.8), dbSNP rs1553522287, ClinGen allele CA349049054.